The following is an entry in ClinVar:

ClinVar aggregate classification (germline): Likely benign. Review status: criteria provided, multiple submitters, no conflicts (2 of 4 stars). 2 submissions from 2 submitters: Likely benign (2). Last evaluated 2026-05-01.

Allele frequency attached by ClinVar (database versions not stated): gnomAD exomes 0.00002; TOPMed 0.00002; ExAC 0.00004.
gnomAD v4.1: 12 of 1,612,646 alleles (0.00074%); highest among the groups gnomAD compares: Admixed American, 0.02%; no homozygotes.

Submissions (2):

CeGaT Center for Human Genetics Tuebingen
Classification: Likely benign. Last evaluated: 2026-05-01. Review status: criteria provided, single submitter. Criteria: CeGaT Center For Human Genetics Tuebingen Variant Classification Criteria Version 2. Collection method: clinical testing. Allele origin: germline. Affected: yes. Observed: 1 variant allele.
Comment: CACNA1B: BP4, BP7

Labcorp Genetics (formerly Invitae), Labcorp
Classification: Likely benign. Last evaluated: 2026-01-05. Review status: criteria provided, single submitter. Criteria: Invitae Variant Classification Sherloc (09022015). Collection method: clinical testing. Allele origin: germline.

NM_000718.4(CACNA1B):c.5289G>A (p.Gly1763=)

Gene: CACNA1B (calcium voltage-gated channel subunit alpha1 B; plus strand). Cytogenetic location: 9q34.3.
Variant type: single nucleotide variant.
Coding change: c.5289G>A on transcript NM_000718.4 (MANE Select); coding-DNA position 5289, G replaced by A.
Protein change: p.Gly1763=; no amino-acid change (glycine 1763 retained).
Molecular consequence: synonymous variant.
Genome position (GRCh38, 1-based): chr9:138,102,777, G>A. VCF-style: chr9-138102777-G-A. GRCh37 (hg19) VCF-style: chr9-140997229-G-A.
Other names: c.5289G>A, p.Gly1763= (NM_001243812.2).
Identifiers: ClinVar variation 3015480 (VCV003015480.5), dbSNP rs75653488, ClinGen allele CA5377328.